The following is an entry in ClinVar:

ClinVar aggregate classification (germline): Uncertain significance (1 of 4 stars; one submission).

Submission:

Labcorp Genetics (formerly Invitae), Labcorp
Classification: Uncertain significance. Last evaluated: 2024-10-24. Review status: criteria provided, single submitter. Criteria: Invitae Variant Classification Sherloc (09022015). Collection method: clinical testing. Allele origin: germline.
Comment: This sequence change replaces isoleucine, which is neutral and non-polar, with threonine, which is neutral and polar, at codon 20 of the CTNNA1 protein (p.Ile20Thr). This variant is not present in population databases (gnomAD no frequency). This variant has not been reported in the literature in individuals affected with CTNNA1-related conditions. Invitae Evidence Modeling of protein sequence and biophysical properties (such as structural, functional, and spatial information, amino acid conservation, physicochemical variation, residue mobility, and thermodynamic stability) indicates that this missense variant is expected to disrupt CTNNA1 protein function with a positive predictive value of 80%. In summary, the available evidence is currently insufficient to determine the role of this variant in disease. Therefore, it has been classified as a Variant of Uncertain Significance.

NM_001903.5(CTNNA1):c.59T>C (p.Ile20Thr)

Gene: CTNNA1 (catenin alpha 1; plus strand). Cytogenetic location: 5q31.2.
Variant type: single nucleotide variant.
Coding change: c.59T>C on transcript NM_001903.5 (MANE Select); coding-DNA position 59, T replaced by C.
Protein change: p.Ile20Thr; replaces isoleucine 20 with threonine.
Molecular consequence: missense variant. On other transcripts: 5 prime UTR variant (2).
Genome position (GRCh38, 1-based): chr5:138,781,983, T>C. VCF-style: chr5-138781983-T-C. GRCh37 (hg19) VCF-style: chr5-138117672-T-C.
Other names: c.59T>C, p.Ile20Thr (NM_001290307.3, NM_001323982.2, NM_001323983.1 and 3 more transcripts); c.-55T>C (NM_001290309.3); c.-148T>C (NM_001290310.3); short protein forms I20T.
Identifiers: ClinVar variation 3666815 (VCV003666815.2).